The following is an entry in ClinVar:

NM_201384.3(PLEC):c.3779G>A (p.Arg1260His)

Gene: PLEC (plectin; minus strand). Cytogenetic location: 8q24.3.
Variant type: single nucleotide variant.
Coding change: c.3779G>A on transcript NM_201384.3 (MANE Select); coding-DNA position 3779, G replaced by A.
Protein change: p.Arg1260His; replaces arginine 1260 with histidine.
Molecular consequence: missense variant.
Genome position (GRCh38, 1-based): chr8:143,927,313, C>T on the plus strand (G>A on the coding strand, the complement: PLEC is on the minus strand). VCF-style: chr8-143927313-C-T. GRCh37 (hg19) VCF-style: chr8-145001481-C-T.
Other names: c.3860G>A, p.Arg1287His (NM_000445.5); c.3737G>A, p.Arg1246His (NM_201378.4); c.3713G>A, p.Arg1238His (NM_201379.3); c.4190G>A, p.Arg1397His (NM_201380.4); c.3683G>A, p.Arg1228His (NM_201381.3); c.3779G>A, p.Arg1260His (NM_201382.4); c.3791G>A, p.Arg1264His (NM_201383.3); short protein forms R1260H, R1228H, R1397H, R1238H, R1246H, R1287H, R1264H.
Identifiers: ClinVar variation 1413688 (VCV001413688.8), dbSNP rs782464700, ClinGen allele CA4926933.

ClinVar aggregate classification (germline): Uncertain significance (1 of 4 stars; one submission).

Conditions:
Epidermolysis bullosa simplex 5B, with muscular dystrophy (EBS5B). Also called: EPIDERMOLYSIS BULLOSA SIMPLEX AND LIMB-GIRDLE MUSCULAR DYSTROPHY; Epidermolysis bullosa simplex with muscular dystrophy. Identifiers: Orphanet 257, MedGen C2931072, MONDO:0009181, OMIM 226670.
Epidermolysis bullosa simplex, Ogna type (EBS5A). Also called: EPIDERMOLYSIS BULLOSA SIMPLEX 5A, OGNA TYPE; Pidermolysis bullosa simplex 5A, Ogna type. Identifiers: Orphanet 79401, MedGen C0432317, MONDO:0007555, OMIM 131950.
Epidermolysis bullosa simplex with nail dystrophy (EBS5D). Identifiers: MedGen C4225309, MONDO:0014661, OMIM 616487.
Autosomal recessive limb-girdle muscular dystrophy type 2Q (LGMDR17). Also called: MUSCULAR DYSTROPHY, LIMB-GIRDLE, AUTOSOMAL RECESSIVE 17. Identifiers: Orphanet 254361, MedGen C3150989, MONDO:0013390, OMIM 613723.
Epidermolysis bullosa simplex 5C, with pyloric atresia (EBS5C). Also called: Epidermolysis bullosa simplex with pyloric atresia; PLEC-Related Epidermolysis Bullosa with Pyloric Atresia; PLEC1-Related Epidermolysis Bullosa with Pyloric Atresia. Identifiers: Orphanet 158684, MedGen C2677349, MONDO:0012807, OMIM 612138.

Allele frequency attached by ClinVar (database versions not stated): gnomAD 0.00001; ExAC 0.00002; gnomAD exomes 0.00002.
gnomAD v4.1: 28 of 1,613,038 alleles (0.0017%); highest among the groups gnomAD compares: South Asian, 0.0066%; no homozygotes.

Submission:

Labcorp Genetics (formerly Invitae), Labcorp
Classification: Uncertain significance for Autosomal recessive limb-girdle muscular dystrophy type 2Q; Epidermolysis bullosa simplex, Ogna type; Epidermolysis bullosa simplex with nail dystrophy; Epidermolysis bullosa simplex 5C, with pyloric atresia; Epidermolysis bullosa simplex 5B, with muscular dystrophy. Last evaluated: 2025-02-24. Review status: criteria provided, single submitter. Criteria: Invitae Variant Classification Sherloc (09022015). Collection method: clinical testing. Allele origin: germline.
Comment: This sequence change replaces arginine, which is basic and polar, with histidine, which is basic and polar, at codon 1287 of the PLEC protein (p.Arg1287His). This variant is present in population databases (rs782464700, gnomAD 0.02%). This variant has not been reported in the literature in individuals affected with PLEC-related conditions. ClinVar contains an entry for this variant (Variation ID: 1413688). Invitae Evidence Modeling of protein sequence and biophysical properties (such as structural, functional, and spatial information, amino acid conservation, physicochemical variation, residue mobility, and thermodynamic stability) indicates that this missense variant is not expected to disrupt PLEC protein function with a negative predictive value of 80%. In summary, the available evidence is currently insufficient to determine the role of this variant in disease. Therefore, it has been classified as a Variant of Uncertain Significance.